The following is an entry in ClinVar:

NM_000287.4(PEX6):c.137G>C (p.Ser46Thr)

Gene: PEX6 (peroxisomal biogenesis factor 6; minus strand). Cytogenetic location: 6p21.1.
Variant type: single nucleotide variant.
Coding change: c.137G>C on transcript NM_000287.4 (MANE Select); coding-DNA position 137, G replaced by C.
Protein change: p.Ser46Thr; replaces serine 46 with threonine.
Molecular consequence: missense variant. On other transcripts: non-coding transcript variant (1).
Genome position (GRCh38, 1-based): chr6:42,979,014, C>G on the plus strand (G>C on the coding strand, the complement: PEX6 is on the minus strand). VCF-style: chr6-42979014-C-G. GRCh37 (hg19) VCF-style: chr6-42946752-C-G.
Other names: c.137G>C, p.Ser46Thr (NM_001316313.2); c.137G>C (NM_000287.3); short protein forms S46T.
Identifiers: ClinVar variation 2141340 (VCV002141340.4), dbSNP rs1170804442, ClinGen allele CA364168862.
Genomic context (GRCh38, chr6:42,979,014, plus strand): 5'-TCTTCGGTGCCCGCGTCCGGCCCCTCCAGGGCTGCCACCAGCAGCGCCGGCCCTGCCGGG[C>G]TCTCCCCTGCAGGCCTCAGGGCCAGCACCAGGCCCAGCTCCGCCGCCGGCCACGGGCCCC-3'
Protein context (NP_000278.3, residues 36-56): LVLALRPAGE[Ser46Thr]PAGPALLVAA

ClinVar aggregate classification (germline): Uncertain significance. Review status: criteria provided, multiple submitters, no conflicts (2 of 4 stars). 4 submissions from 4 submitters: Uncertain significance (3). 1 of the submissions does not count toward it. Last evaluated 2026-02-23.

Conditions:
Zellweger spectrum disorders (ZS). Also called: Zellweger Spectrum Disorder; Zellweger Spectrum; Zellweger Spectrum Disorder (ZSD); Zellweger syndrome. Identifiers: Orphanet 912, MedGen C0043459, MONDO:0019609.
Peroxisome biogenesis disorder. Identifiers: Orphanet 79189, MedGen C1832200, MONDO:0019234. Disease mechanism: loss of function.
Inborn genetic diseases. Identifiers: MedGen C0950123, MeSH D030342.

Allele frequency attached by ClinVar (database versions not stated): gnomAD exomes 0.00001.

Submissions (4):

Ambry Genetics
Classification: Uncertain significance for Inborn genetic diseases. Last evaluated: 2026-02-23. Review status: criteria provided, single submitter. Criteria: Ambry Variant Classification Scheme 2023. Collection method: clinical testing. Allele origin: germline.
Comment: The c.137G>C (p.S46T) alteration is located in exon 1 (coding exon 1) of the PEX6 gene. This alteration results from a G to C substitution at nucleotide position 137, causing the serine (S) at amino acid position 46 to be replaced by a threonine (T). Based on data from gnomAD, the C allele has an overall frequency of 0.001% (1/116140) total alleles studied. The highest observed frequency was 0.002% (1/43180) of European (non-Finnish) alleles. Based on insufficient or conflicting evidence, the clinical significance of this alteration remains unclear.

Labcorp Genetics (formerly Invitae), Labcorp
Classification: Uncertain significance for Peroxisome biogenesis disorder. Last evaluated: 2022-07-23. Review status: criteria provided, single submitter. Criteria: Invitae Variant Classification Sherloc (09022015). Collection method: clinical testing. Allele origin: germline.
Comment: This sequence change replaces serine, which is neutral and polar, with threonine, which is neutral and polar, at codon 46 of the PEX6 protein (p.Ser46Thr). The frequency data for this variant in the population databases is considered unreliable, as metrics indicate poor data quality at this position in the gnomAD database. This variant has not been reported in the literature in individuals affected with PEX6-related conditions. Algorithms developed to predict the effect of missense changes on protein structure and function (SIFT, PolyPhen-2, Align-GVGD) all suggest that this variant is likely to be tolerated. In summary, the available evidence is currently insufficient to determine the role of this variant in disease. Therefore, it has been classified as a Variant of Uncertain Significance.

Blueprint Genetics
Classification: Uncertain significance. Last evaluated: 2021-09-17. Review status: criteria provided, single submitter. Criteria: ACMG Guidelines, 2015. Collection method: clinical testing. Allele origin: germline.

Natera, Inc.
Classification: Uncertain significance for Zellweger syndrome. Last evaluated: 2025-05-16. Review status: no assertion criteria provided. Collection method: clinical testing. Allele origin: germline. Not counted in ClinVar's aggregate classification.